The following is an entry in ClinVar:

ClinVar aggregate classification (germline): Conflicting classifications of pathogenicity. Review status: criteria provided, conflicting classifications (1 of 4 stars). 3 submissions from 3 submitters: Likely pathogenic (1); Uncertain significance (2). Last evaluated 2026-02-19.

Conditions:
COL4A5-related disorder. Also called: COL4A5-related condition.
X-linked Alport syndrome (ATS1). Also called: COL4A5-Related Nephropathy; NEPHROPATHY AND DEAFNESS, X-LINKED. Identifiers: Orphanet 63, Orphanet 88917, MedGen C4746986, MONDO:0010520, OMIM 301050.

Allele frequency attached by ClinVar (database versions not stated): TOPMed below 0.00001; gnomAD exomes 0.00001; ESP Exome Variant Server 0.00009.
gnomAD v4.1: 7 of 1,209,188 alleles (0.00058%); highest among the groups gnomAD compares: Non-Finnish European, 0.00078%; no homozygotes.

Submissions (3):

Myriad Genetics, Inc.
Classification: Uncertain significance for X-linked Alport syndrome. Last evaluated: 2026-02-19. Review status: criteria provided, single submitter. Criteria: Myriad Autosomal Dominant, Autosomal Recessive and X-Linked Classification Criteria (2023). Collection method: clinical testing. Allele origin: unknown.
Comment: NM_000495.4(COL4A5):c.3730G>A(G1244S) is a missense variant classified as a variant of uncertain significance in the context of X-linked Alport syndrome. G1244S has not been observed in cases with relevant disease. Relevant functional assessments of this variant are not available in the literature. G1244S has not been observed in referenced population frequency databases. In summary, there is insufficient evidence to classify NM_000495.4(COL4A5):c.3730G>A(G1244S) as pathogenic or benign. Please note: this variant was assessed in the context of healthy population screening.

PreventionGenetics, part of Exact Sciences
Classification: Uncertain significance for COL4A5-related condition. Last evaluated: 2025-07-24. Review status: criteria provided, single submitter. Criteria: ACMG Guidelines, 2015. Collection method: clinical testing. Allele origin: germline.
Comment: The COL4A5 c.3730G>A variant is predicted to result in the amino acid substitution p.Gly1244Ser. To our knowledge, this variant has not been reported in the literature or in a large population database (gnomAD), indicating this variant is rare. An alternate missense change at the same amino acid position has been reported in individuals affected with Alport syndrome (Barker et al. 2001. PubMed ID: 11223851; Pont-Kingdon et al. 2009. PubMed ID: 19919694; Supplemental Table S6 in Yuan et al. 2022. PubMed ID: 36130833). Although we suspect that the c.3730G>A (p.Gly1244Ser) variant may be pathogenic, at this time, the clinical significance of this variant is uncertain due to the absence of conclusive functional and genetic evidence.

Labcorp Genetics (formerly Invitae), Labcorp
Classification: Likely pathogenic. Last evaluated: 2023-08-05. Review status: criteria provided, single submitter. Criteria: Invitae Variant Classification Sherloc (09022015). Collection method: clinical testing. Allele origin: germline.
Comment: This sequence change replaces glycine, which is neutral and non-polar, with serine, which is neutral and polar, at codon 1244 of the COL4A5 protein (p.Gly1244Ser). In summary, the currently available evidence indicates that the variant is pathogenic, but additional data are needed to prove that conclusively. Therefore, this variant has been classified as Likely Pathogenic. This variant disrupts the p.Gly1244 amino acid residue in COL4A5. Other variant(s) that disrupt this residue have been determined to be pathogenic (PMID: 19919694; Invitae). This suggests that this residue is clinically significant, and that variants that disrupt this residue are likely to be disease-causing. Advanced modeling of protein sequence and biophysical properties (such as structural, functional, and spatial information, amino acid conservation, physicochemical variation, residue mobility, and thermodynamic stability) performed at Invitae indicates that this missense variant is expected to disrupt COL4A5 protein function. ClinVar contains an entry for this variant (Variation ID: 1517348). This variant has not been reported in the literature in individuals affected with COL4A5-related conditions. This variant is not present in population databases (gnomAD no frequency).

Literature cited by the submitters: PubMed 19919694 (cited by Labcorp Genetics (formerly Invitae), Labcorp).

NM_033380.3(COL4A5):c.3730G>A (p.Gly1244Ser)

Gene: COL4A5 (collagen type IV alpha 5 chain; plus strand). Cytogenetic location: Xq22.3.
Variant type: single nucleotide variant.
Coding change: c.3730G>A on transcript NM_033380.3 (MANE Select); coding-DNA position 3730, G replaced by A.
Protein change: p.Gly1244Ser; replaces glycine 1244 with serine.
Molecular consequence: missense variant.
Genome position (GRCh38, 1-based): chrX:108,668,444, G>A. VCF-style: chrX-108668444-G-A. GRCh37 (hg19) VCF-style: chrX-107911674-G-A.
Other names: c.3730G>A, p.Gly1244Ser (NM_000495.5); c.3730G>A (NM_000495.4); short protein forms G1244S.
Identifiers: ClinVar variation 1517348 (VCV001517348.8), dbSNP rs143552311, ClinGen allele CA334046899.